The following is an entry in ClinVar:

ClinVar aggregate classification (germline): Pathogenic (1 of 4 stars; one submission).

Conditions:
Symmetrical dyschromatosis of extremities (DSH). Also called: DYSCHROMATOSIS SYMMETRICA HEREDITARIA 1; RETICULATE ACROPIGMENTATION OF DOHI; SYMMETRIC DYSCHROMATOSIS OF THE EXTREMITIES; Dyschromatosis symmetrica hereditaria. Identifiers: Orphanet 41, MedGen C0406775, MONDO:0007483, OMIM 127400.
Aicardi-Goutieres syndrome 6 (AGS6). Identifiers: Orphanet 51, MedGen C3539013, MONDO:0014007, OMIM 615010.

Submission:

Labcorp Genetics (formerly Invitae), Labcorp
Classification: Pathogenic for Aicardi-Goutieres syndrome 6; Symmetrical dyschromatosis of extremities. Last evaluated: 2024-07-15. Review status: criteria provided, single submitter. Criteria: Invitae Variant Classification Sherloc (09022015). Collection method: clinical testing. Allele origin: germline.
Comment: This sequence change creates a premature translational stop signal (p.Leu147Trpfs*65) in the ADAR gene. It is expected to result in an absent or disrupted protein product. Loss-of-function variants in ADAR are known to be pathogenic (PMID: 22974014). This variant is present in population databases (no rsID available, gnomAD 0.0009%). This variant has not been reported in the literature in individuals affected with ADAR-related conditions. ClinVar contains an entry for this variant (Variation ID: 2164267). For these reasons, this variant has been classified as Pathogenic.

Literature cited by the submitters: PubMed 22974014.

NM_001111.5(ADAR):c.439del (p.Leu147fs)

Gene: ADAR (adenosine deaminase RNA specific; minus strand). Cytogenetic location: 1q21.3.
Variant type: Deletion.
Coding change: c.439del on transcript NM_001111.5 (MANE Select); coding-DNA position 439, one base deleted (C; older notation c.439delC).
Protein change: p.Leu147fs; shifts the reading frame from leucine 147.
Molecular consequence: frameshift variant. On other transcripts: 5 prime UTR variant (6).
Genome position (GRCh38, 1-based): chr1:154,602,203, G deleted on the plus strand (C on the coding strand, the reverse complement: ADAR is on the minus strand); the first of 2 consecutive G bases (chr1:154,602,203-154,602,204); deleting either gives the same sequence. VCF-style (leftmost placement, unchanged base first): chr1-154602202-AG-A. GRCh37 (hg19) VCF-style: chr1-154574678-AG-A.
Other names: c.-447del (NM_001025107.3, NM_001193495.2, NM_001365046.1 and 3 more transcripts); c.466del, p.Leu156fs (NM_001365045.1); c.439del, p.Leu147fs (NM_015840.4, NM_015841.4); short protein forms L147fs, L156fs.
Identifiers: ClinVar variation 2164267 (VCV002164267.4), dbSNP rs1226569632, ClinGen allele CA526666513.
Genomic context (GRCh38, chr1:154,602,202, plus strand): 5'-GTCCCAAGTTTCCCAGACAGATCATGTGCTGTGGTGGCCTTCCCTTCCCCAAGCTCTTCC[AG>A]GAACTTTAAGATCCTTTGTTCCTGATCTTGGTAGATACTCAGTTCCTGGAAATGTGAGGA-3'